The following is an entry in ClinVar:

NM_001363118.2(SLC52A2):c.77C>T (p.Ala26Val)

Gene: SLC52A2 (solute carrier family 52 member 2; plus strand). Cytogenetic location: 8q24.3.
Variant type: single nucleotide variant.
Coding change: c.77C>T on transcript NM_001363118.2 (MANE Select); coding-DNA position 77, C replaced by T.
Protein change: p.Ala26Val; replaces alanine 26 with valine.
Molecular consequence: missense variant.
Genome position (GRCh38, 1-based): chr8:144,359,370, C>T. VCF-style: chr8-144359370-C-T. GRCh37 (hg19) VCF-style: chr8-145583030-C-T.
Other names: c.77C>T (NM_024531.3); c.77C>T, p.Ala26Val (NM_001253815.2, NM_001253816.2, NM_001363120.2 and 3 more transcripts); short protein forms A26V.
Identifiers: ClinVar variation 1509247 (VCV001509247.8), dbSNP rs782192779, ClinGen allele CA4938079.

ClinVar aggregate classification (germline): Uncertain significance. Review status: criteria provided, multiple submitters, no conflicts (2 of 4 stars). 3 submissions from 3 submitters: Uncertain significance (3). Last evaluated 2025-08-14.

Conditions:
Inborn genetic diseases. Identifiers: MedGen C0950123, MeSH D030342.
Brown-Vialetto-van Laere syndrome 2. Also called: Riboflavin transporter deficiency type 2; SPINOCEREBELLAR ATAXIA WITH BLINDNESS AND DEAFNESS 2. Identifiers: Orphanet 572543, Orphanet 97229, MedGen C3553538, MONDO:0013867, OMIM 614707.

Allele frequency attached by ClinVar (database versions not stated): TOPMed below 0.00001; ExAC 0.00001.
gnomAD v4.1: 5 of 1,614,032 alleles (0.00031%); highest among the groups gnomAD compares: Admixed American, 0.005%; no homozygotes.

Submissions (3):

Ambry Genetics
Classification: Uncertain significance for Inborn genetic diseases. Last evaluated: 2025-08-14. Review status: criteria provided, single submitter. Criteria: Ambry Variant Classification Scheme 2023. Collection method: clinical testing. Allele origin: germline.

Blueprint Genetics
Classification: Uncertain significance. Last evaluated: 2024-09-13. Review status: criteria provided, single submitter. Criteria: ACMG Guidelines, 2015. Collection method: clinical testing. Allele origin: germline.

Labcorp Genetics (formerly Invitae), Labcorp
Classification: Uncertain significance for Brown-Vialetto-van Laere syndrome 2. Last evaluated: 2023-05-15. Review status: criteria provided, single submitter. Criteria: Invitae Variant Classification Sherloc (09022015). Collection method: clinical testing. Allele origin: germline.
Comment: This sequence change replaces alanine, which is neutral and non-polar, with valine, which is neutral and non-polar, at codon 26 of the SLC52A2 protein (p.Ala26Val). This variant is present in population databases (rs782192779, gnomAD 0.003%). This variant has not been reported in the literature in individuals affected with SLC52A2-related conditions. ClinVar contains an entry for this variant (Variation ID: 1509247). Advanced modeling of protein sequence and biophysical properties (such as structural, functional, and spatial information, amino acid conservation, physicochemical variation, residue mobility, and thermodynamic stability) performed at Invitae indicates that this missense variant is not expected to disrupt SLC52A2 protein function. In summary, the available evidence is currently insufficient to determine the role of this variant in disease. Therefore, it has been classified as a Variant of Uncertain Significance.